The following is an entry in ClinVar:

ClinVar aggregate classification (germline): Uncertain significance (1 of 4 stars; one submission).

Conditions:
Cardiovascular phenotype. Identifiers: MedGen CN230736.

Submission:

Ambry Genetics
Classification: Uncertain significance for Cardiovascular phenotype. Last evaluated: 2022-09-13. Review status: criteria provided, single submitter. Criteria: Ambry Variant Classification Scheme 2023. Collection method: clinical testing. Allele origin: germline.
Comment: The p.A285V variant (also known as c.854C>T), located in coding exon 6 of the SOS2 gene, results from a C to T substitution at nucleotide position 854. The alanine at codon 285 is replaced by valine, an amino acid with similar properties. This amino acid position is conserved. In addition, the in silico prediction for this alteration is inconclusive. Since supporting evidence is limited at this time, the clinical significance of this alteration remains unclear.

NM_006939.4(SOS2):c.854C>T (p.Ala285Val)

Gene: SOS2 (SOS Ras/Rho guanine nucleotide exchange factor 2; minus strand). Cytogenetic location: 14q21.3.
Variant type: single nucleotide variant.
Coding change: c.854C>T on transcript NM_006939.4 (MANE Select); coding-DNA position 854, C replaced by T.
Protein change: p.Ala285Val; replaces alanine 285 with valine.
Molecular consequence: missense variant.
Genome position (GRCh38, 1-based): chr14:50,182,467, G>A on the plus strand (C>T on the coding strand, the complement: SOS2 is on the minus strand). VCF-style: chr14-50182467-G-A. GRCh37 (hg19) VCF-style: chr14-50649185-G-A.
Other names: c.854C>T, p.Ala285Val (NM_001411020.1); short protein forms A285V.
Identifiers: ClinVar variation 1763810 (VCV001763810.2), dbSNP rs2503104118, ClinGen allele CA389647593.